The following is an entry in ClinVar:

ClinVar aggregate classification (germline): Uncertain significance (1 of 4 stars; one submission).

Conditions:
Epidermolysis bullosa simplex 5C, with pyloric atresia (EBS5C). Also called: PLEC-Related Epidermolysis Bullosa with Pyloric Atresia; Epidermolysis bullosa simplex with pyloric atresia; PLEC1-Related Epidermolysis Bullosa with Pyloric Atresia. Identifiers: Orphanet 158684, MedGen C2677349, MONDO:0012807, OMIM 612138.
Epidermolysis bullosa simplex 5B, with muscular dystrophy (EBS5B). Also called: Epidermolysis bullosa simplex with muscular dystrophy; EPIDERMOLYSIS BULLOSA SIMPLEX AND LIMB-GIRDLE MUSCULAR DYSTROPHY. Identifiers: Orphanet 257, MedGen C2931072, MONDO:0009181, OMIM 226670.
Epidermolysis bullosa simplex, Ogna type (EBS5A). Also called: Pidermolysis bullosa simplex 5A, Ogna type; EPIDERMOLYSIS BULLOSA SIMPLEX 5A, OGNA TYPE. Identifiers: Orphanet 79401, MedGen C0432317, MONDO:0007555, OMIM 131950.
Autosomal recessive limb-girdle muscular dystrophy type 2Q (LGMDR17). Also called: MUSCULAR DYSTROPHY, LIMB-GIRDLE, AUTOSOMAL RECESSIVE 17. Identifiers: Orphanet 254361, MedGen C3150989, MONDO:0013390, OMIM 613723.
Epidermolysis bullosa simplex with nail dystrophy (EBS5D). Identifiers: MedGen C4225309, MONDO:0014661, OMIM 616487.

Allele frequency attached by ClinVar (database versions not stated): gnomAD exomes below 0.00001; ExAC 0.00001; gnomAD 0.00001.
gnomAD v4.1: 2 of 1,600,282 alleles (0.00012%); highest among the groups gnomAD compares: Admixed American, 0.0017%; no homozygotes.

Submission:

Labcorp Genetics (formerly Invitae), Labcorp
Classification: Uncertain significance for Autosomal recessive limb-girdle muscular dystrophy type 2Q; Epidermolysis bullosa simplex, Ogna type; Epidermolysis bullosa simplex with nail dystrophy; Epidermolysis bullosa simplex 5C, with pyloric atresia; Epidermolysis bullosa simplex 5B, with muscular dystrophy. Last evaluated: 2023-06-23. Review status: criteria provided, single submitter. Criteria: Invitae Variant Classification Sherloc (09022015). Collection method: clinical testing. Allele origin: germline.
Comment: This sequence change replaces alanine, which is neutral and non-polar, with threonine, which is neutral and polar, at codon 1270 of the PLEC protein (p.Ala1270Thr). This variant is present in population databases (rs782230205, gnomAD 0.006%). This variant has not been reported in the literature in individuals affected with PLEC-related conditions. ClinVar contains an entry for this variant (Variation ID: 2090467). Advanced modeling of protein sequence and biophysical properties (such as structural, functional, and spatial information, amino acid conservation, physicochemical variation, residue mobility, and thermodynamic stability) performed at Invitae indicates that this missense variant is not expected to disrupt PLEC protein function. In summary, the available evidence is currently insufficient to determine the role of this variant in disease. Therefore, it has been classified as a Variant of Uncertain Significance.

NM_201384.3(PLEC):c.3727G>A (p.Ala1243Thr)

Gene: PLEC (plectin; minus strand). Cytogenetic location: 8q24.3.
Variant type: single nucleotide variant.
Coding change: c.3727G>A on transcript NM_201384.3 (MANE Select); coding-DNA position 3727, G replaced by A.
Protein change: p.Ala1243Thr; replaces alanine 1243 with threonine.
Molecular consequence: missense variant.
Genome position (GRCh38, 1-based): chr8:143,927,439, C>T on the plus strand (G>A on the coding strand, the complement: PLEC is on the minus strand). VCF-style: chr8-143927439-C-T. GRCh37 (hg19) VCF-style: chr8-145001607-C-T.
Other names: c.3808G>A, p.Ala1270Thr (NM_000445.5, NM_001410941.1); c.3685G>A, p.Ala1229Thr (NM_201378.4); c.3661G>A, p.Ala1221Thr (NM_201379.3); c.4138G>A, p.Ala1380Thr (NM_201380.4); c.3631G>A, p.Ala1211Thr (NM_201381.3); c.3727G>A, p.Ala1243Thr (NM_201382.4); c.3739G>A, p.Ala1247Thr (NM_201383.3); short protein forms A1221T, A1247T, A1211T, A1229T, A1380T, A1243T, A1270T.
Identifiers: ClinVar variation 2090467 (VCV002090467.4), dbSNP rs782230205, ClinGen allele CA4926973.